The following is an entry in ClinVar:

NM_213622.4(STAMBP):c.72G>A (p.Ala24=)

Genes: STAMBP (STAM binding protein; plus strand), LOC126806253 (CDK7 strongly-dependent group 2 enhancer GRCh37_chr2:74057585-74058784; plus strand). Cytogenetic location: 2p13.1.
Variant type: single nucleotide variant.
Coding change: c.72G>A on transcript NM_213622.4 (MANE Select); coding-DNA position 72, G replaced by A.
Protein change: p.Ala24=; no amino-acid change (alanine 24 retained).
Molecular consequence: synonymous variant. On other transcripts: 5 prime UTR variant (5), non-coding transcript variant (4), intron variant (1).
Genome position (GRCh38, 1-based): chr2:73,830,928, G>A. VCF-style: chr2-73830928-G-A. GRCh37 (hg19) VCF-style: chr2-74058055-G-A.
Other names: c.72G>A (NM_006463.4); c.72G>A, p.Ala24= (NM_001353967.2, NM_001353968.2, NM_001353969.2 and 3 more transcripts); c.-482G>A (NM_001353971.2, NM_001353973.2, NM_001353974.2 and 2 more transcripts); c.-203+1932G>A (NM_001353972.2).
Identifiers: ClinVar variation 1558282 (VCV001558282.26), dbSNP rs777124033, ClinGen allele CA1717435.

ClinVar aggregate classification (germline): Likely benign. Review status: criteria provided, multiple submitters, no conflicts (2 of 4 stars). 3 submissions from 3 submitters: Likely benign (2). 1 of the submissions does not count toward it. Last evaluated 2024-11-01.

Conditions:
STAMBP-related disorder. Also called: STAMBP-related condition.

Allele frequency attached by ClinVar (database versions not stated): ExAC 0.00002.
gnomAD v4.1: 32 of 1,613,952 alleles (0.002%); highest among the groups gnomAD compares: Middle Eastern, 0.017%; no homozygotes.

Submissions (3):

CeGaT Center for Human Genetics Tuebingen
Classification: Likely benign. Last evaluated: 2024-11-01. Review status: criteria provided, single submitter. Criteria: CeGaT Center For Human Genetics Tuebingen Variant Classification Criteria Version 2. Collection method: clinical testing. Allele origin: germline. Affected: yes. Observed: 1 variant allele.
Comment: STAMBP: BP4, BP7

Labcorp Genetics (formerly Invitae), Labcorp
Classification: Likely benign. Last evaluated: 2022-07-03. Review status: criteria provided, single submitter. Criteria: Invitae Variant Classification Sherloc (09022015). Collection method: clinical testing. Allele origin: germline.

PreventionGenetics, part of Exact Sciences
Classification: Likely benign for STAMBP-related condition. Last evaluated: 2022-11-28. Review status: no assertion criteria provided. Collection method: clinical testing. Allele origin: germline. Not counted in ClinVar's aggregate classification.
Comment: This variant is classified as likely benign based on ACMG/AMP sequence variant interpretation guidelines (Richards et al. 2015 PMID: 25741868, with internal and published modifications).